The following is an entry in ClinVar:

ClinVar aggregate classification (germline): Uncertain significance (1 of 4 stars; one submission).

Conditions:
Familial infantile myasthenia (CMS6). Also called: Congenital myasthenic syndrome type 6; MYASTHENIC SYNDROME, PRESYNAPTIC, CONGENITAL, ASSOCIATED WITH EPISODIC APNEA; MYASTHENIC SYNDROME, CONGENITAL, 6, PRESYNAPTIC. Identifiers: Orphanet 590, MedGen C0393929, MONDO:0009689, OMIM 254210.

Submission:

Labcorp Genetics (formerly Invitae), Labcorp
Classification: Uncertain significance for Familial infantile myasthenia. Last evaluated: 2019-08-27. Review status: criteria provided, single submitter. Criteria: Invitae Variant Classification Sherloc (09022015). Collection method: clinical testing. Allele origin: germline.
Comment: This sequence change replaces valine with alanine at codon 429 of the CHAT protein (p.Val429Ala). The valine residue is highly conserved and there is a small physicochemical difference between valine and alanine. This variant is not present in population databases (ExAC no frequency). This variant has not been reported in the literature in individuals with CHAT-related conditions. Algorithms developed to predict the effect of missense changes on protein structure and function (SIFT, PolyPhen-2, Align-GVGD) all suggest that this variant is likely to be disruptive, but these predictions have not been confirmed by published functional studies and their clinical significance is uncertain. In summary, the available evidence is currently insufficient to determine the role of this variant in disease. Therefore, it has been classified as a Variant of Uncertain Significance.

NM_020549.5(CHAT):c.1286T>C (p.Val429Ala)

Gene: CHAT (choline O-acetyltransferase; plus strand). Cytogenetic location: 10q11.23.
Variant type: single nucleotide variant.
Coding change: c.1286T>C on transcript NM_020549.5 (MANE Select); coding-DNA position 1286, T replaced by C.
Protein change: p.Val429Ala; replaces valine 429 with alanine.
Molecular consequence: missense variant.
Genome position (GRCh38, 1-based): chr10:49,648,511, T>C. VCF-style: chr10-49648511-T-C. GRCh37 (hg19) VCF-style: chr10-50856557-T-C.
Other names: c.932T>C, p.Val311Ala (NM_001142929.2, NM_001142934.2, NM_020984.4 and 2 more transcripts); c.1040T>C, p.Val347Ala (NM_001142933.2); short protein forms V429A, V311A, V347A.
Identifiers: ClinVar variation 964216 (VCV000964216.9), dbSNP rs1839755600, ClinGen allele CA376742345.
Genomic context (GRCh38, chr10:49,648,511, plus strand): 5'-GCTGCCTTGCAATGCTGACTCTCCCATGATCGCCCACTCCCTCTTTCCTGTTGCAGTTTG[T>C]GGTGGGCCGAGACGGCACCTGCGGTGTGGTGTGCGAACACTCCCCATTCGATGGCATCGT-3'
Protein context (NP_065574.4, residues 419-439): NRWYDKSLQF[Val429Ala]VGRDGTCGVV